The following is an entry in ClinVar:

NC_000017.10:g.(?_41199654)_(41203140_?)del

Gene: BRCA1 (BRCA1 DNA repair associated; minus strand). Cytogenetic location: 17q21.31.
Variant type: Deletion.
Identifiers: ClinVar variation 2425738 (VCV002425738.2).

ClinVar aggregate classification (germline): Pathogenic (1 of 4 stars; one submission).

Conditions:
Hereditary breast ovarian cancer syndrome. Also called: Hereditary breast and ovarian cancer syndrome (HBOC); Breast and ovarian cancer; Hereditary breast and/or ovarian cancer syndrome; Hereditary breast and ovarian cancer; BRCA1- and BRCA2-Associated Hereditary Breast and Ovarian Cancer; Hereditary breast and ovarian cancer syndrome. Identifiers: Orphanet 145, MedGen C0677776, MeSH D061325, MONDO:0003582. Disease mechanism: loss of function.

Submission:

Labcorp Genetics (formerly Invitae), Labcorp
Classification: Pathogenic for Hereditary breast ovarian cancer syndrome. Last evaluated: 2022-06-04. Review status: criteria provided, single submitter. Criteria: Invitae Variant Classification Sherloc (09022015). Collection method: clinical testing. Allele origin: germline.
Comment: This variant is a gross deletion of the genomic region encompassing exon(s) 20-22 of the BRCA1 gene, which includes the termination codon. This deletion extends beyond the assayed region for this gene and therefore may encompass additional genes. While this deletion is not anticipated to lead to nonsense mediated decay, it is expected to alter mRNA translation or result in a truncated protein product. A similar copy number variant has been observed in individual(s) with breast and/or ovarian cancer (PMID: 15863663). This variant is also known as deletion of exons 21-23 by alternative exon numbering. This variant disrupts the C-terminal end of the BRCA1 protein partially including the BRCT domain (residues 1646-1859), which is important for DNA repair activity (PMID: 11573086, 14576433, 15133503, 25652403). While functional studies have not been performed to directly test the effect on BRCA1 protein function, this suggests that disruption of the C-terminal portion of the protein is functionally important. This variant disrupts a region of the BRCA1 protein in which other variant(s) (p.Gly1788Val) have been determined to be pathogenic (PMID: 9796975, 14534301, 15689452, 18512148, 20516115, 21614564, 27272900). This suggests that this is a clinically significant region of the protein, and that variants that disrupt it are likely to be disease-causing. For these reasons, this variant has been classified as Pathogenic.

Literature cited by the submitters: PubMed 15863663; PubMed 11573086; PubMed 14576433; PubMed 15133503; PubMed 25652403; PubMed 9796975; PubMed 14534301; PubMed 15689452; PubMed 18512148; PubMed 20516115; PubMed 21614564; PubMed 27272900.